The following is an entry in ClinVar:

ClinVar aggregate classification (germline): Uncertain significance. Review status: criteria provided, multiple submitters, no conflicts (2 of 4 stars). 2 submissions from 2 submitters: Uncertain significance (2). Last evaluated 2025-11-01.

Conditions:
Charcot-Marie-Tooth disease type 2. Also called: Charcot-Marie-Tooth type 2. Identifiers: Orphanet 64746, MedGen C0270914, MONDO:0018993.

gnomAD v4.1: 1 of 1,614,152 alleles (0.000062%); highest among the groups gnomAD compares: East Asian, 0.0022%; no homozygotes.

Submissions (2):

Ambry Genetics
Classification: Uncertain significance. Last evaluated: 2025-11-01. Review status: criteria provided, single submitter. Criteria: Ambry Variant Classification Scheme 2023. Collection method: clinical testing. Allele origin: germline.
Comment: The p.I1647M variant (also known as c.4941T>G), located in coding exon 43 of the KIF1B gene, results from a T to G substitution at nucleotide position 4941. The isoleucine at codon 1647 is replaced by methionine, an amino acid with highly similar properties. This amino acid position is highly conserved in available vertebrate species. In addition, the in silico prediction for this alteration is inconclusive. Since supporting evidence is limited at this time, the clinical significance of this alteration remains unclear.

Labcorp Genetics (formerly Invitae), Labcorp
Classification: Uncertain significance for Charcot-Marie-Tooth disease type 2. Last evaluated: 2025-08-04. Review status: criteria provided, single submitter. Criteria: Invitae Variant Classification Sherloc (09022015). Collection method: clinical testing. Allele origin: germline.
Comment: This sequence change replaces isoleucine, which is neutral and non-polar, with methionine, which is neutral and non-polar, at codon 1647 of the KIF1B protein (p.Ile1647Met). This variant is not present in population databases (gnomAD no frequency). This variant has not been reported in the literature in individuals affected with KIF1B-related conditions. ClinVar contains an entry for this variant (Variation ID: 1415042). An algorithm developed to predict the effect of missense changes on protein structure and function (PolyPhen-2) suggests that this variant is likely to be disruptive. In summary, the available evidence is currently insufficient to determine the role of this variant in disease. Therefore, it has been classified as a Variant of Uncertain Significance.

NM_001365951.3(KIF1B):c.5079T>G (p.Ile1693Met)

Gene: KIF1B (kinesin family member 1B; plus strand). Cytogenetic location: 1p36.22.
Variant type: single nucleotide variant.
Coding change: c.5079T>G on transcript NM_001365951.3 (MANE Select); coding-DNA position 5079, T replaced by G.
Protein change: p.Ile1693Met; replaces isoleucine 1693 with methionine.
Molecular consequence: missense variant.
Genome position (GRCh38, 1-based): chr1:10,374,448, T>G. VCF-style: chr1-10374448-T-G. GRCh37 (hg19) VCF-style: chr1-10434506-T-G.
Other names: c.5079T>G, p.Ile1693Met (NM_001365952.1); c.4941T>G, p.Ile1647Met (NM_015074.3); short protein forms I1647M, I1693M.
Identifiers: ClinVar variation 1415042 (VCV001415042.11), dbSNP rs752044197, ClinGen allele CA338329796.